The following is an entry in ClinVar:

NM_001134363.3(RBM20):c.2764G>T (p.Val922Leu)

Gene: RBM20 (RNA binding motif protein 20; plus strand). Cytogenetic location: 10q25.2.
Variant type: single nucleotide variant.
Coding change: c.2764G>T on transcript NM_001134363.3 (MANE Select); coding-DNA position 2764, G replaced by T.
Protein change: p.Val922Leu; replaces valine 922 with leucine.
Molecular consequence: missense variant.
Genome position (GRCh38, 1-based): chr10:110,821,383, G>T. VCF-style: chr10-110821383-G-T. GRCh37 (hg19) VCF-style: chr10-112581141-G-T.
Other names: short protein forms V922L.
Identifiers: ClinVar variation 854294 (VCV000854294.13), dbSNP rs947100716, ClinGen allele CA378377528.

ClinVar aggregate classification (germline): Uncertain significance. Review status: criteria provided, multiple submitters, no conflicts (2 of 4 stars). 3 submissions from 3 submitters: Uncertain significance (3). Last evaluated 2025-01-04.

Conditions:
Dilated cardiomyopathy 1DD (CMD1DD). Identifiers: Orphanet 154, MedGen C2750995, MONDO:0013168, OMIM 613172.
Cardiovascular phenotype. Identifiers: MedGen CN230736.

gnomAD v4.1: 6 of 1,551,754 alleles (0.00039%); highest among the groups gnomAD compares: Non-Finnish European, 0.00052%; no homozygotes.

Submissions (3):

Ambry Genetics
Classification: Uncertain significance for Cardiovascular phenotype. Last evaluated: 2025-01-04. Review status: criteria provided, single submitter. Criteria: Ambry Variant Classification Scheme 2023. Collection method: clinical testing. Allele origin: germline.
Comment: The p.V922L variant (also known as c.2764G>T), located in coding exon 11 of the RBM20 gene, results from a G to T substitution at nucleotide position 2764. The valine at codon 922 is replaced by leucine, an amino acid with highly similar properties. This amino acid position is poorly conserved in available vertebrate species. In addition, this alteration is predicted to be tolerated by in silico analysis. Since supporting evidence is limited at this time, the clinical significance of this alteration remains unclear.

Labcorp Genetics (formerly Invitae), Labcorp
Classification: Uncertain significance for Dilated cardiomyopathy 1DD. Last evaluated: 2024-02-03. Review status: criteria provided, single submitter. Criteria: Invitae Variant Classification Sherloc (09022015). Collection method: clinical testing. Allele origin: germline.
Comment: This sequence change replaces valine, which is neutral and non-polar, with leucine, which is neutral and non-polar, at codon 922 of the RBM20 protein (p.Val922Leu). This variant is not present in population databases (gnomAD no frequency). This variant has not been reported in the literature in individuals affected with RBM20-related conditions. ClinVar contains an entry for this variant (Variation ID: 854294). Advanced modeling of protein sequence and biophysical properties (such as structural, functional, and spatial information, amino acid conservation, physicochemical variation, residue mobility, and thermodynamic stability) performed at Invitae indicates that this missense variant is not expected to disrupt RBM20 protein function with a negative predictive value of 95%. In summary, the available evidence is currently insufficient to determine the role of this variant in disease. Therefore, it has been classified as a Variant of Uncertain Significance.

Fulgent Genetics
Classification: Uncertain significance for Dilated cardiomyopathy 1DD. Last evaluated: 2021-12-05. Review status: criteria provided, single submitter. Criteria: ACMG Guidelines, 2015. Collection method: clinical testing. Allele origin: unknown.